The following is an entry in ClinVar:

ClinVar aggregate classification (germline): Uncertain significance. Review status: criteria provided, single submitter (1 of 4 stars). 2 submissions from 2 submitters: Uncertain significance (1). 1 of the submissions does not count toward it. Last evaluated 2025-04-11.

Conditions:
TNC-related disorder. Also called: TNC-related condition.

gnomAD v4.1: 43 of 1,613,974 alleles (0.0027%); highest among the groups gnomAD compares: Admixed American, 0.038%; no homozygotes.

Submissions (2):

Ambry Genetics
Classification: Uncertain significance. Last evaluated: 2025-04-11. Review status: criteria provided, single submitter. Criteria: Ambry Variant Classification Scheme 2023. Collection method: clinical testing. Allele origin: germline.

PreventionGenetics, part of Exact Sciences
Classification: Likely benign for TNC-related condition. Last evaluated: 2022-09-14. Review status: no assertion criteria provided. Collection method: clinical testing. Allele origin: germline. Not counted in ClinVar's aggregate classification.
Comment: This variant is classified as likely benign based on ACMG/AMP sequence variant interpretation guidelines (Richards et al. 2015 PMID: 25741868, with internal and published modifications).

NM_002160.4(TNC):c.487G>A (p.Gly163Ser)

Gene: TNC (tenascin C; minus strand). Cytogenetic location: 9q33.1.
Variant type: single nucleotide variant.
Coding change: c.487G>A on transcript NM_002160.4 (MANE Select); coding-DNA position 487, G replaced by A.
Protein change: p.Gly163Ser; replaces glycine 163 with serine.
Molecular consequence: missense variant.
Genome position (GRCh38, 1-based): chr9:115,087,244, C>T on the plus strand (G>A on the coding strand, the complement: TNC is on the minus strand). VCF-style: chr9-115087244-C-T. GRCh37 (hg19) VCF-style: chr9-117849523-C-T.
Other names: c.487G>A, p.Gly163Ser (NM_001410991.1); short protein forms G163S.
Identifiers: ClinVar variation 2468813 (VCV002468813.5), dbSNP rs368041702, ClinGen allele CA5209044.